The following is an entry in ClinVar:

NM_014946.4(SPAST):c.1378C>T (p.Arg460Cys)

Gene: SPAST (spastin; plus strand). Cytogenetic location: 2p22.3.
Variant type: single nucleotide variant.
Coding change: c.1378C>T on transcript NM_014946.4 (MANE Select); coding-DNA position 1378, C replaced by T.
Protein change: p.Arg460Cys; replaces arginine 460 with cysteine.
Molecular consequence: missense variant.
Genome position (GRCh38, 1-based): chr2:32,136,933, C>T. VCF-style: chr2-32136933-C-T. GRCh37 (hg19) VCF-style: chr2-32362002-C-T.
Other names: c.1375C>T, p.Arg459Cys (NM_001363823.2); c.1279C>T, p.Arg427Cys (NM_001363875.2); c.1282C>T, p.Arg428Cys (NM_001377959.1, NM_199436.2); short protein forms R460C, R427C, R459C, R428C.
Identifiers: ClinVar variation 240948 (VCV000240948.70), dbSNP rs878854990, ClinGen allele CA10581968.

ClinVar aggregate classification (germline): Pathogenic. Review status: criteria provided, multiple submitters, no conflicts (2 of 4 stars). 18 submissions from 18 submitters: Pathogenic (14). 4 of the submissions do not count toward it. Last evaluated 2026-01-17.

Conditions:
SPAST-related disorder. Also called: SPAST-related condition.
Hereditary spastic paraplegia. Also called: Familial spastic paraparesis. Identifiers: Orphanet 685, MedGen C0037773, MONDO:0019064. Disease mechanism: loss of function.
Hereditary spastic paraplegia 4. Also called: Spastic paraplegia 4, autosomal dominant; Spastic Paraplegia 4; Familial spastic paraplegia autosomal dominant 2. Identifiers: Orphanet 100985, MedGen C1866855, MONDO:0008438, OMIM 182601.

Allele frequency attached by ClinVar (database versions not stated): gnomAD exomes below 0.00001.
gnomAD v4.1: 4 of 1,613,556 alleles (0.00025%); highest among the groups gnomAD compares: Non-Finnish European, 0.00034%; no homozygotes.

Submissions 1 to 12 of 18:

Labcorp Genetics (formerly Invitae), Labcorp
Classification: Pathogenic for Hereditary spastic paraplegia 4. Last evaluated: 2026-01-17. Review status: criteria provided, single submitter. Criteria: Invitae Variant Classification Sherloc (09022015). Collection method: clinical testing. Allele origin: germline.
Comment: This sequence change replaces arginine, which is basic and polar, with cysteine, which is neutral and slightly polar, at codon 460 of the SPAST protein (p.Arg460Cys). This variant is not present in population databases (gnomAD no frequency). This missense change has been observed in individuals with hereditary spastic paraplegia (PMID: 15248095, 15482961, 16055926, 16832076, 17594340, 18701882, 20718791, 22960362, 24451228, 25658484). Invitae Evidence Modeling of clinical and family history, age, sex, and reported ancestry of multiple individuals with this SPAST variant has been performed. This variant is expected to be pathogenic with a positive predictive value of at least 99%. This is a validated machine learning model that incorporates the clinical features of 4,195 individuals referred to our laboratory for SPAST testing. ClinVar contains an entry for this variant (Variation ID: 240948). Invitae Evidence Modeling of protein sequence and biophysical properties (such as structural, functional, and spatial information, amino acid conservation, physicochemical variation, residue mobility, and thermodynamic stability) indicates that this missense variant is expected to disrupt SPAST protein function with a positive predictive value of 80%. This missense change is located in a region of the SPAST protein in which a significant number of missense variants have been reported (PMID: 11809724). These observations suggest that this may be a clinically significant region of the protein. For these reasons, this variant has been classified as Pathogenic.

PreventionGenetics, part of Exact Sciences
Classification: Pathogenic for SPAST-related condition. Last evaluated: 2025-01-11. Review status: criteria provided, single submitter. Criteria: ACMG Guidelines, 2015. Collection method: clinical testing. Allele origin: germline.
Comment: The SPAST c.1378C>T variant is predicted to result in the amino acid substitution p.Arg460Cys. This variant has been reported in multiple patients with autosomal dominant spastic paraplegia (for example, Falco et al. 2004. PubMed ID: 15482961; McDermott et al. 2006. PubMed ID: 16832076; Chelban et al. 2017. PubMed ID: 28572275). Furthermore, other missense variants impacting the same amino acid residue (p.Arg460Ser, p.Arg460His, p.Arg460Leu) have also been reported in patients with spastic paraplegia phenotypes (Braschinsky et al. 2010. PubMed ID: 20214791; Shoukier et al. 2009. PubMed ID: 18701882; Fonknechten et al. 2000. PubMed ID: 10699187). Taken together, we interpret the c.1378C>T (p.Arg460Cys) variant as pathogenic.

Kariminejad - Najmabadi Pathology & Genetics Center
Classification: Pathogenic for Hereditary spastic paraplegia 4. Last evaluated: 2024-05-03. Review status: criteria provided, single submitter. Criteria: ACMG Guidelines, 2015. Collection method: clinical testing. Allele origin: germline. Inheritance: Autosomal dominant inheritance. Affected: yes.
Comment: (PM5_Moderate,PM1_Moderate,PM2_Moderate,PP3_Moderate,PP5_Moderate)

Blueprint Genetics
Classification: Pathogenic for SPAST-related disorders. Last evaluated: 2024-04-19. Review status: criteria provided, single submitter. Criteria: ACMG Guidelines, 2015. Collection method: clinical testing. Allele origin: germline. Affected: yes. Observed: 1 variant allele.

Women's Health and Genetics/Laboratory Corporation of America, LabCorp
Classification: Pathogenic for Hereditary spastic paraplegia 4. Last evaluated: 2023-11-09. Review status: criteria provided, single submitter. Criteria: LabCorp Variant Classification Summary - May 2015. Collection method: clinical testing. Allele origin: germline.
Comment: Variant summary: SPAST c.1378C>T (p.Arg460Cys) results in a non-conservative amino acid change located in the AAA+ ATPase domain (IPR003593) of the encoded protein sequence. This alters a well-conserved residue in which several missense changes have been found in association with Spastic paraplegia (HGMD), two of which (p.Arg460Leu, p.Arg460His) have been classified as pathogenic or likely pathogenic by ClinVar submitters. Five of five in-silico tools predict a damaging effect of the variant on protein function. The variant was absent in 251056 control chromosomes (gnomAD). c.1378C>T has been reported in the literature in multiple individuals affected with Spastic Paraplegia 4, Autosomal Dominant (e.g. Falco_2004, Burguez_2017, Mereaux_2022). These data indicate that the variant is very likely to be associated with disease. The following publications have been ascertained in the context of this evaluation (PMID: 15482961, 29246610, 34983064). Eight submitters have cited clinical-significance assessments for this variant to ClinVar after 2014. All submitters classified the variant as pathogenic. Based on the evidence outlined above, the variant was classified as pathogenic.

Mayo Clinic Laboratories, Mayo Clinic
Classification: Pathogenic. Last evaluated: 2023-06-21. Review status: criteria provided, single submitter. Criteria: ACMG Guidelines, 2015. Collection method: clinical testing. Allele origin: germline. Observed: 3 variant alleles.
Comment: PP2, PP3, PM1, PM2_moderate, PS4

Laboratorio de Genetica e Diagnostico Molecular, Hospital Israelita Albert Einstein
Classification: Pathogenic for Hereditary spastic paraplegia 4. Last evaluated: 2023-02-03. Review status: criteria provided, single submitter. Criteria: ACMG Guidelines, 2015. Collection method: clinical testing. Allele origin: germline. Affected: yes. Observed: 1 variant allele.
Comment: ACMG classification criteria: PS4 strong, PM1 moderated, PM2 moderated, PP1 strong, PP3 supporting

MGZ Medical Genetics Center
Classification: Pathogenic for Hereditary spastic paraplegia 4. Last evaluated: 2022-05-23. Review status: criteria provided, single submitter. Criteria: ACMG Guidelines, 2015. Collection method: clinical testing. Allele origin: germline. Affected: yes. Observed: 1 variant allele.
Comment: ACMG criteria applied: PM5_STR, PS4_MOD, PM1, PM2_SUP, PP2, PP3

Institute of Medical Genetics and Applied Genomics, University Hospital Tübingen
Classification: Pathogenic. Last evaluated: 2020-10-23. Review status: criteria provided, single submitter. Criteria: ACMG Guidelines, 2015. Collection method: clinical testing. Allele origin: germline. Inheritance: Autosomal dominant inheritance. Affected: yes.

Victorian Clinical Genetics Services, Murdoch Childrens Research Institute
Classification: Pathogenic for Hereditary spastic paraplegia 4. Last evaluated: 2020-10-19. Review status: criteria provided, single submitter. Criteria: ACMG Guidelines, 2015. Collection method: clinical testing. Allele origin: germline. Inheritance: Autosomal dominant inheritance. Affected: yes.
Comment: Based on the classification scheme VCGS_Germline_v1.3.3, this variant is classified as Pathogenic. Following criteria are met: 0103 - Loss of function and dominant negative are known mechanisms of disease for this gene and are associated with autosomal dominant spastic paraplegia 4 (MIM#182601). Multiple loss of function variants have been reported, while a dominant negative mechanism has been stipulated for a small number of missense variants (ClinVar; PMID: 30006150). (I) 0107 - This gene is associated with autosomal dominant disease. (I) 0112 - The condition associated with this gene has incomplete penetrance. The penetrance is mostly complete and is lower in females (PMID: 30476002). (I) 0115 - Variants in this gene are known to have variable expressivity. Age at onset of symptoms ranges from infancy to the eighth decade and there is significant intrafamilial clinical variability (PMID: 30476002). (I) 0200 - Variant is predicted to result in a missense amino acid change from arginine to cysteine. (I) 0251 - This variant is heterozygous. (I) 0301 - Variant is absent from gnomAD (both v2 and v3). (SP) 0501 - Missense variant consistently predicted to be damaging by multiple in silico tools or highly conserved with a major amino acid change. (SP) 0603 - Missense variant in a region that is highly intolerant to missense variation (high constraint region in DECIPHER). It is also located in the annotated AAA domain (PDB), where most missense variants reported are located (PMID: 30476002). (SP) 0801 - This variant has strong previous evidence of pathogenicity in unrelated individuals. It has been reported in many unrelated families with hereditary spastic paraplegia (ClinVar, PMIDs: 30778698, 29246610, 27688599, 28572275). (SP) 1208 - Inheritance information for this variant is not currently available in this individual. (I) Legend: (SP) - Supporting pathogenic, (I) - Information, (SB) - Supporting benign

Genome Diagnostics Laboratory, The Hospital for Sick Children
Classification: Pathogenic for Hereditary spastic paraplegia. Last evaluated: 2020-05-01. Review status: criteria provided, single submitter. Criteria: ACMG Guidelines, 2015. Collection method: clinical testing. Allele origin: germline. Affected: yes.

CeGaT Center for Human Genetics Tuebingen
Classification: Pathogenic. Last evaluated: 2020-03-01. Review status: criteria provided, single submitter. Criteria: CeGaT Center For Human Genetics Tuebingen Variant Classification Criteria Version 2. Collection method: clinical testing. Allele origin: germline. Affected: yes. Observed: 1 variant allele.